The following is an entry in ClinVar:

ClinVar aggregate classification (germline): Conflicting classifications of pathogenicity. Review status: criteria provided, conflicting classifications (1 of 4 stars). 2 submissions from 2 submitters: Uncertain significance (1); Likely benign (1). Last evaluated 2024-08-31.

Allele frequency attached by ClinVar (database versions not stated): gnomAD 0.00004; gnomAD exomes 0.00004 and 0.00007; ExAC 0.00008.
gnomAD v4.1: 111 of 1,612,922 alleles (0.0069%); highest among the groups gnomAD compares: Non-Finnish European, 0.0077%; no homozygotes.

Submissions (2):

Labcorp Genetics (formerly Invitae), Labcorp
Classification: Uncertain significance. Last evaluated: 2024-08-31. Review status: criteria provided, single submitter. Criteria: Invitae Variant Classification Sherloc (09022015). Collection method: clinical testing. Allele origin: germline.
Comment: This sequence change replaces proline, which is neutral and non-polar, with leucine, which is neutral and non-polar, at codon 65 of the NFIA protein (p.Pro65Leu). This variant is present in population databases (rs201450663, gnomAD 0.02%). This variant has not been reported in the literature in individuals affected with NFIA-related conditions. ClinVar contains an entry for this variant (Variation ID: 1675368). An algorithm developed to predict the effect of missense changes on protein structure and function (PolyPhen-2) suggests that this variant is likely to be disruptive. In summary, the available evidence is currently insufficient to determine the role of this variant in disease. Therefore, it has been classified as a Variant of Uncertain Significance.

CeGaT Center for Human Genetics Tuebingen
Classification: Likely benign. Last evaluated: 2022-02-01. Review status: criteria provided, single submitter. Criteria: CeGaT Center For Human Genetics Tuebingen Variant Classification Criteria Version 2. Collection method: clinical testing. Allele origin: germline. Affected: yes. Observed: 1 variant allele.

NM_001134673.4(NFIA):c.194C>T (p.Pro65Leu)

Gene: NFIA (nuclear factor I A; plus strand). Cytogenetic location: 1p31.3.
Variant type: single nucleotide variant.
Coding change: c.194C>T on transcript NM_001134673.4 (MANE Select); coding-DNA position 194, C replaced by T.
Protein change: p.Pro65Leu; replaces proline 65 with leucine.
Molecular consequence: missense variant.
Genome position (GRCh38, 1-based): chr1:61,088,315, C>T. VCF-style: chr1-61088315-C-T. GRCh37 (hg19) VCF-style: chr1-61553987-C-T.
Other names: c.170C>T, p.Pro57Leu (NM_001145511.2); c.329C>T, p.Pro110Leu (NM_001145512.2); c.194C>T, p.Pro65Leu (NM_005595.5); short protein forms P110L, P57L, P65L.
Identifiers: ClinVar variation 1675368 (VCV001675368.36), dbSNP rs201450663, ClinGen allele CA880920.